The following is an entry in ClinVar:

NM_138386.3(NAF1):c.653C>G (p.Thr218Ser)

Gene: NAF1 (nuclear assembly factor 1 ribonucleoprotein; minus strand). Cytogenetic location: 4q32.2.
Variant type: single nucleotide variant.
Coding change: c.653C>G on transcript NM_138386.3 (MANE Select); coding-DNA position 653, C replaced by G.
Protein change: p.Thr218Ser; replaces threonine 218 with serine.
Molecular consequence: missense variant.
Genome position (GRCh38, 1-based): chr4:163,145,846, G>C on the plus strand (C>G on the coding strand, the complement: NAF1 is on the minus strand). VCF-style: chr4-163145846-G-C. GRCh37 (hg19) VCF-style: chr4-164066998-G-C.
Other names: c.653C>G (NM_138386.2); c.653C>G, p.Thr218Ser (NM_001128931.2); short protein forms T218S.
Identifiers: ClinVar variation 2022941 (VCV002022941.5), dbSNP rs1320277350, ClinGen allele CA358660785.

ClinVar aggregate classification (germline): Uncertain significance. Review status: criteria provided, multiple submitters, no conflicts (2 of 4 stars). 2 submissions from 2 submitters: Uncertain significance (2). Last evaluated 2025-06-18.

Submissions (2):

Ambry Genetics
Classification: Uncertain significance. Last evaluated: 2025-06-18. Review status: criteria provided, single submitter. Criteria: Ambry Variant Classification Scheme 2023. Collection method: clinical testing. Allele origin: germline.

Labcorp Genetics (formerly Invitae), Labcorp
Classification: Uncertain significance. Last evaluated: 2024-02-12. Review status: criteria provided, single submitter. Criteria: Invitae Variant Classification Sherloc (09022015). Collection method: clinical testing. Allele origin: germline.
Comment: This sequence change replaces threonine, which is neutral and polar, with serine, which is neutral and polar, at codon 218 of the NAF1 protein (p.Thr218Ser). This variant is not present in population databases (gnomAD no frequency). This variant has not been reported in the literature in individuals affected with NAF1-related conditions. ClinVar contains an entry for this variant (Variation ID: 2022941). Algorithms developed to predict the effect of missense changes on protein structure and function output the following: SIFT: "Not Available"; PolyPhen-2: "Benign"; Align-GVGD: "Not Available". The serine amino acid residue is found in multiple mammalian species, which suggests that this missense change does not adversely affect protein function. In summary, the available evidence is currently insufficient to determine the role of this variant in disease. Therefore, it has been classified as a Variant of Uncertain Significance.